The following is an entry in ClinVar:

ClinVar aggregate classification (germline): Pathogenic (1 of 4 stars; one submission).

Conditions:
Hereditary cancer-predisposing syndrome. Also called: Neoplastic Syndromes, Hereditary; Tumor predisposition; Hereditary Cancer Syndrome; Hereditary neoplastic syndrome. Identifiers: Orphanet 140162, MedGen C0027672, MeSH D009386, MONDO:0015356.

Submission:

Ambry Genetics
Classification: Pathogenic for Hereditary cancer-predisposing syndrome. Last evaluated: 2019-11-20. Review status: criteria provided, single submitter. Criteria: Ambry Variant Classification Scheme 2023. Collection method: clinical testing. Allele origin: germline.
Comment: The c.1865_1887del23 pathogenic mutation, located in coding exon 11 of the PMS2 gene, results from a deletion of 23 nucleotides at nucleotide positions 1865 to 1887, causing a translational frameshift with a predicted alternate stop codon (p.M622Kfs*6). This alteration is expected to result in loss of function by premature protein truncation or nonsense-mediated mRNA decay. As such, this alteration is interpreted as a disease-causing mutation.

NM_000535.7(PMS2):c.1865_1887del (p.Met622fs)

Gene: PMS2 (PMS1 homolog 2, mismatch repair system component; minus strand). Cytogenetic location: 7p22.1.
Variant type: Deletion.
Coding change: c.1865_1887del on transcript NM_000535.7 (MANE Select); coding-DNA positions 1865 to 1887, 23 bases deleted (TGAGTTCTTTAGCTAAACGAATA).
Protein change: p.Met622fs; shifts the reading frame from methionine 622.
Molecular consequence: frameshift variant. On other transcripts: non-coding transcript variant (1).
Genome position (GRCh38, 1-based): chr7:5,986,878-5,986,900, TATTCGTTTAGCTAAAGAACTCA deleted on the plus strand (TGAGTTCTTTAGCTAAACGAATA on the coding strand, the reverse complement: PMS2 is on the minus strand); deleting any 23 consecutive bases within chr7:5,986,878-5,986,902 gives the same sequence; the c. name uses the placement nearest the transcript's 3' end. VCF-style (leftmost placement, unchanged base first): chr7-5986877-TTATTCGTTTAGCTAAAGAACTCA-T. GRCh37 (hg19) VCF-style: chr7-6026508-TTATTCGTTTAGCTAAAGAACTCA-T.
Other names: c.1458_1480del23, p.Met487Lysfs (NM_001018040.1, NM_001406887.1, NM_001406888.1 and 13 more transcripts); c.1460_1482del, p.Met487fs (NM_001322003.2, NM_001322004.2, NM_001322005.2 and 1 more transcripts); c.1709_1731del, p.Met570fs (NM_001322006.2); c.1547_1569del, p.Met516fs (NM_001322007.2, NM_001322008.2); c.1304_1326del, p.Met435fs (NM_001322010.2); c.932_954del, p.Met311fs (NM_001322011.2, NM_001322012.2); c.1292_1314del, p.Met431fs (NM_001322013.2); c.1865_1887del, p.Met622fs (NM_001322014.2); and 20 more; short protein forms M570fs, M311fs, M431fs, M519fs, M622fs, M435fs, M516fs, M487fs.
Identifiers: ClinVar variation 1781567 (VCV001781567.2), dbSNP rs2535718053, ClinGen allele CA2580076868.
Genomic context (GRCh38, chr7:5,986,877, plus strand): 5'-CCCTAAACTTCCTGTAATTCTGTTCCCCTTCACTTTGCTGTGCTTCATGATGTAACTGCT[TTATTCGTTTAGCTAAAGAACTCA>T]TAGAAAAGTCCAGGGGCACAACTTTCTTATTAATTTTCACAGCTACATCAACCTGAGAGG-3'